The following is an entry in ClinVar:

NM_003906.5(MCM3AP):c.4001+4_4001+7del

Gene: MCM3AP (minichromosome maintenance complex component 3 associated protein; minus strand). Cytogenetic location: 21q22.3.
Variant type: Deletion.
Coding change: c.4001+4_4001+7del on transcript NM_003906.5 (MANE Select); bases 4 to 7 of the intron after coding-DNA position 4001, 4 bases deleted (TGTC; older notation c.4001+4_4001+7delTGTC).
Molecular consequence: splice donor variant.
Genome position (GRCh38, 1-based): chr21:46,254,769-46,254,772, GACA deleted on the plus strand (TGTC on the coding strand, the reverse complement: MCM3AP is on the minus strand); deleting any 4 consecutive bases within chr21:46,254,769-46,254,775 gives the same sequence; the c. name uses the placement nearest the transcript's 3' end. VCF-style (leftmost placement, unchanged base first): chr21-46254768-TGACA-T. GRCh37 (hg19) VCF-style: chr21-47674682-TGACA-T.
Identifiers: ClinVar variation 4714006 (VCV004714006.1).

ClinVar aggregate classification (germline): Uncertain significance (1 of 4 stars; one submission).

Submission:

Labcorp Genetics (formerly Invitae), Labcorp
Classification: Uncertain significance. Last evaluated: 2025-02-27. Review status: criteria provided, single submitter. Criteria: Invitae Variant Classification Sherloc (09022015). Collection method: clinical testing. Allele origin: germline.
Comment: This sequence change falls in intron 18 of the MCM3AP gene. It does not directly change the encoded amino acid sequence of the MCM3AP protein. It affects a nucleotide within the consensus splice site. This variant is not present in population databases (gnomAD no frequency). This variant has not been reported in the literature in individuals affected with MCM3AP-related conditions. Variants that disrupt the consensus splice site are a relatively common cause of aberrant splicing (PMID: 17576681, 9536098). Algorithms developed to predict the effect of sequence changes on RNA splicing suggest that this variant may disrupt the consensus splice site. In summary, the available evidence is currently insufficient to determine the role of this variant in disease. Therefore, it has been classified as a Variant of Uncertain Significance.

Literature cited by the submitters: PubMed 17576681; PubMed 9536098.